The following is an entry in ClinVar:

NM_004068.4(AP2M1):c.1041C>T (p.Ser347=)

Gene: AP2M1 (adaptor related protein complex 2 subunit mu 1; plus strand). Cytogenetic location: 3q27.1.
Variant type: single nucleotide variant.
Coding change: c.1041C>T on transcript NM_004068.4 (MANE Select); coding-DNA position 1041, C replaced by T.
Protein change: p.Ser347=; no amino-acid change (serine 347 retained).
Molecular consequence: synonymous variant.
Genome position (GRCh38, 1-based): chr3:184,182,228, C>T. VCF-style: chr3-184182228-C-T. GRCh37 (hg19) VCF-style: chr3-183900016-C-T.
Other names: c.1035C>T, p.Ser345= (NM_001025205.2); c.1116C>T, p.Ser372= (NM_001311198.2).
Identifiers: ClinVar variation 1360206 (VCV001360206.10), dbSNP rs770699298, ClinGen allele CA2727859.

ClinVar aggregate classification (germline): Likely benign. Review status: criteria provided, multiple submitters, no conflicts (2 of 4 stars). 2 submissions from 2 submitters: Likely benign (2). Last evaluated 2026-01-05.

Allele frequency attached by ClinVar (database versions not stated): ExAC 0.00001; gnomAD 0.00001; gnomAD exomes 0.00001 and 0.00003; TOPMed 0.00002.
gnomAD v4.1: 23 of 1,613,976 alleles (0.0014%); highest among the groups gnomAD compares: South Asian, 0.019%; no homozygotes.

Submissions (2):

Labcorp Genetics (formerly Invitae), Labcorp
Classification: Likely benign. Last evaluated: 2026-01-05. Review status: criteria provided, single submitter. Criteria: Invitae Variant Classification Sherloc (09022015). Collection method: clinical testing. Allele origin: germline.

CeGaT Center for Human Genetics Tuebingen
Classification: Likely benign. Last evaluated: 2026-01-01. Review status: criteria provided, single submitter. Criteria: CeGaT Center For Human Genetics Tuebingen Variant Classification Criteria Version 2. Collection method: clinical testing. Allele origin: germline. Affected: yes. Observed: 1 variant allele.
Comment: AP2M1: BP4, BP7